The following is an entry in ClinVar:

ClinVar aggregate classification (germline): Uncertain significance. Review status: criteria provided, single submitter (1 of 4 stars). 2 submissions from 2 submitters: Uncertain significance (1). 1 of the submissions does not count toward it. Last evaluated 2022-08-14.

Conditions:
CNTNAP2-related disorder. Also called: CNTNAP2-related condition.
Cortical dysplasia-focal epilepsy syndrome (PTHSL1). Also called: Pitt-Hopkins-like syndrome 1. Identifiers: Orphanet 163681, Orphanet 221150, MedGen C2750246, MONDO:0012400, OMIM 610042.

Allele frequency attached by ClinVar (database versions not stated): ExAC 0.00001; gnomAD 0.00001; TOPMed 0.00002; ESP Exome Variant Server 0.00008.
gnomAD v4.1: 3 of 1,614,020 alleles (0.00019%); highest among the groups gnomAD compares: African/African-American, 0.004%; no homozygotes.

Submissions (2):

Labcorp Genetics (formerly Invitae), Labcorp
Classification: Uncertain significance for Cortical dysplasia-focal epilepsy syndrome. Last evaluated: 2022-08-14. Review status: criteria provided, single submitter. Criteria: Invitae Variant Classification Sherloc (09022015). Collection method: clinical testing. Allele origin: germline.
Comment: In summary, the available evidence is currently insufficient to determine the role of this variant in disease. Therefore, it has been classified as a Variant of Uncertain Significance. Algorithms developed to predict the effect of missense changes on protein structure and function are either unavailable or do not agree on the potential impact of this missense change (SIFT: "Deleterious"; PolyPhen-2: "Benign"; Align-GVGD: "Class C0"). This variant has not been reported in the literature in individuals affected with CNTNAP2-related conditions. This variant is present in population databases (rs370716351, gnomAD 0.007%). This sequence change replaces arginine, which is basic and polar, with serine, which is neutral and polar, at codon 294 of the CNTNAP2 protein (p.Arg294Ser).

PreventionGenetics, part of Exact Sciences
Classification: Uncertain significance for CNTNAP2-related condition. Last evaluated: 2024-09-07. Review status: no assertion criteria provided. Collection method: clinical testing. Allele origin: germline. Not counted in ClinVar's aggregate classification.
Comment: The CNTNAP2 c.882G>C variant is predicted to result in the amino acid substitution p.Arg294Ser. To our knowledge, this variant has not been reported in the literature. This variant is reported in 0.0062% of alleles in individuals of African descent in gnomAD. At this time, the clinical significance of this variant is uncertain due to the absence of conclusive functional and genetic evidence.

NM_014141.6(CNTNAP2):c.882G>C (p.Arg294Ser)

Gene: CNTNAP2 (contactin associated protein 2; plus strand). Cytogenetic location: 7q35.
Variant type: single nucleotide variant.
Coding change: c.882G>C on transcript NM_014141.6 (MANE Select); coding-DNA position 882, G replaced by C.
Protein change: p.Arg294Ser; replaces arginine 294 with serine.
Molecular consequence: missense variant.
Genome position (GRCh38, 1-based): chr7:147,121,106, G>C. VCF-style: chr7-147121106-G-C. GRCh37 (hg19) VCF-style: chr7-146818198-G-C.
Other names: c.882G>C (NM_014141.5); short protein forms R294S.
Identifiers: ClinVar variation 1945241 (VCV001945241.6), dbSNP rs370716351, ClinGen allele CA4545907.
Genomic context (GRCh38, chr7:147,121,106, plus strand): 5'-CCACTGGCACTCTGTGGTCATTGAGCGCCAGGGGCGGAGCATTAACCTCACTCTGGACAG[G>C]AGCATGCAGCACTTCCGTACCAATGGAGAGTTTGACTACCTGGACTTGGACTATGAGGTA-3'
Protein context (NP_054860.1, residues 284-304): QGRSINLTLD[Arg294Ser]SMQHFRTNGE